The following is an entry in ClinVar:

NM_001283009.2(RTEL1):c.2099G>A (p.Arg700Gln)

Genes: RTEL1 (regulator of telomere elongation helicase 1; plus strand), RTEL1-TNFRSF6B (RTEL1-TNFRSF6B readthrough (NMD candidate); plus strand). Cytogenetic location: 20q13.33.
Variant type: single nucleotide variant.
Coding change: c.2099G>A on transcript NM_001283009.2 (MANE Select); coding-DNA position 2099, G replaced by A.
Protein change: p.Arg700Gln; replaces arginine 700 with glutamine.
Molecular consequence: missense variant. On other transcripts: non-coding transcript variant (1).
Genome position (GRCh38, 1-based): chr20:63,689,823, G>A. VCF-style: chr20-63689823-G-A. GRCh37 (hg19) VCF-style: chr20-62321176-G-A.
Other names: c.1430G>A, p.Arg477Gln (NM_001283010.1); c.2099G>A, p.Arg700Gln (NM_016434.4); c.2171G>A, p.Arg724Gln (NM_032957.5); short protein forms R700Q, R477Q, R724Q.
Identifiers: ClinVar variation 2150652 (VCV002150652.4), dbSNP rs1416515129, ClinGen allele CA409679263.

ClinVar aggregate classification (germline): Uncertain significance. Review status: criteria provided, multiple submitters, no conflicts (2 of 4 stars). 2 submissions from 2 submitters: Uncertain significance (2). Last evaluated 2024-02-09.

Conditions:
Pulmonary fibrosis and/or bone marrow failure, Telomere-related, 3. Also called: PULMONARY FIBROSIS AND/OR BONE MARROW FAILURE SYNDROME, TELOMERE-RELATED, 3. Identifiers: Orphanet 2032, MedGen C4225346, MONDO:0014613, OMIM 616373.
Dyskeratosis congenita, autosomal recessive 5 (DKCB5). Identifiers: MedGen C3554656, MONDO:0014076, OMIM 615190.

Allele frequency attached by ClinVar (database versions not stated): gnomAD 0.00001.
gnomAD v4.1: 9 of 1,611,594 alleles (0.00056%); highest among the groups gnomAD compares: African/African-American, 0.0013%; no homozygotes.

Submissions (2):

Labcorp Genetics (formerly Invitae), Labcorp
Classification: Uncertain significance for Dyskeratosis congenita, autosomal recessive 5; Pulmonary fibrosis and/or bone marrow failure, Telomere-related, 3. Last evaluated: 2024-02-09. Review status: criteria provided, single submitter. Criteria: Invitae Variant Classification Sherloc (09022015). Collection method: clinical testing. Allele origin: germline.
Comment: This sequence change replaces arginine, which is basic and polar, with glutamine, which is neutral and polar, at codon 700 of the RTEL1 protein (p.Arg700Gln). This variant is not present in population databases (gnomAD no frequency). This variant has not been reported in the literature in individuals affected with RTEL1-related conditions. ClinVar contains an entry for this variant (Variation ID: 2150652). An algorithm developed to predict the effect of missense changes on protein structure and function (PolyPhen-2) suggests that this variant is likely to be disruptive. In summary, the available evidence is currently insufficient to determine the role of this variant in disease. Therefore, it has been classified as a Variant of Uncertain Significance.

GeneDx
Classification: Uncertain significance. Last evaluated: 2023-04-18. Review status: criteria provided, single submitter. Criteria: GeneDx Variant Classification Process June 2021. Collection method: clinical testing. Allele origin: germline. Affected: yes.
Comment: Not observed at significant frequency in large population cohorts (gnomAD); In silico analysis supports that this missense variant has a deleterious effect on protein structure/function; Has not been previously published as pathogenic or benign to our knowledge